The following is an entry in ClinVar:

ClinVar aggregate classification (germline): Conflicting classifications of pathogenicity. Review status: criteria provided, conflicting classifications (1 of 4 stars). 10 submissions from 10 submitters: Uncertain significance (9); Likely benign (1). Last evaluated 2026-01-04.

Conditions:
Gastric adenocarcinoma and proximal polyposis of the stomach (GAPPS). Also called: POLYPOSIS, GASTRIC; Gastric Adenocarcinoma and Proximal Polyposis of the Stomach (GAPPS); Polyposis, gastric, Dos Santos and de Magalhaes 1980. Identifiers: Orphanet 314022, MedGen C4749917, MONDO:0017790, OMIM 619182.
Hereditary cancer-predisposing syndrome. Also called: Hereditary neoplastic syndrome; Hereditary Cancer Syndrome; Tumor predisposition; Neoplastic Syndromes, Hereditary. Identifiers: Orphanet 140162, MedGen C0027672, MeSH D009386, MONDO:0015356.
Classic or attenuated familial adenomatous polyposis. Identifiers: MedGen CN372698, MONDO:0021057.
Familial adenomatous polyposis 1 (FAP1). Also called: POLYPOSIS, ADENOMATOUS INTESTINAL; FAMILIAL ADENOMATOUS POLYPOSIS 1, ATTENUATED. Identifiers: MedGen C2713442, MONDO:0021056, OMIM 175100. Disease mechanism: loss of function.

Allele frequency attached by ClinVar (database versions not stated): gnomAD exomes 0.00001.
gnomAD v4.1: 4 of 1,614,192 alleles (0.00025%); highest among the groups gnomAD compares: Middle Eastern, 0.016%; no homozygotes.

Submissions (10):

Labcorp Genetics (formerly Invitae), Labcorp
Classification: Uncertain significance for Familial adenomatous polyposis 1. Last evaluated: 2026-01-04. Review status: criteria provided, single submitter. Criteria: Invitae Variant Classification Sherloc (09022015). Collection method: clinical testing. Allele origin: germline.
Comment: This sequence change replaces valine, which is neutral and non-polar, with methionine, which is neutral and non-polar, at codon 1605 of the APC protein (p.Val1605Met). This variant is not present in population databases (gnomAD no frequency). This missense change has been observed in individual(s) with breast and/or ovarian cancer (PMID: 31159747). ClinVar contains an entry for this variant (Variation ID: 438880). Invitae Evidence Modeling of protein sequence and biophysical properties (such as structural, functional, and spatial information, amino acid conservation, physicochemical variation, residue mobility, and thermodynamic stability) indicates that this missense variant is not expected to disrupt APC protein function with a negative predictive value of 95%. In summary, the available evidence is currently insufficient to determine the role of this variant in disease. Therefore, it has been classified as a Variant of Uncertain Significance.

Ambry Genetics
Classification: Likely benign for Hereditary cancer-predisposing syndrome. Last evaluated: 2025-10-29. Review status: criteria provided, single submitter. Criteria: Ambry Variant Classification Scheme 2023. Collection method: clinical testing. Allele origin: germline.

Baylor Genetics
Classification: Uncertain significance for Familial adenomatous polyposis 1. Last evaluated: 2024-01-06. Review status: criteria provided, single submitter. Criteria: ACMG Guidelines, 2015. Collection method: clinical testing. Allele origin: unknown.

Color Diagnostics, LLC DBA Color Health
Classification: Uncertain significance for Hereditary cancer-predisposing syndrome. Last evaluated: 2023-12-14. Review status: criteria provided, single submitter. Criteria: ACMG Guidelines, 2015. Collection method: clinical testing. Allele origin: germline.
Comment: This missense variant replaces valine with methionine at codon 1605 of the APC protein. Computational prediction suggests that this variant may not impact protein structure and function (internally defined REVEL score threshold <= 0.5, PMID: 27666373). To our knowledge, functional studies have not been reported for this variant. This variant has not been reported in individuals affected with APC-related disorders in the literature. This variant has not been identified in the general population by the Genome Aggregation Database (gnomAD). The available evidence is insufficient to determine the role of this variant in disease conclusively. Therefore, this variant is classified as a Variant of Uncertain Significance.

All of Us Research Program, National Institutes of Health
Classification: Uncertain significance for Classic or attenuated familial adenomatous polyposis. Last evaluated: 2023-06-26. Review status: criteria provided, single submitter. Criteria: ACMG Guidelines, 2015. Collection method: clinical testing. Allele origin: germline. Inheritance: Autosomal dominant inheritance. Observed: 2 variant alleles, 2 heterozygotes.
Comment: This missense variant replaces valine with methionine at codon 1605 of the APC protein. Computational prediction suggests that this variant may have deleterious impact on protein structure and function (internally defined REVEL score threshold >= 0.7, PMID: 27666373). To our knowledge, functional studies have not been reported for this variant. This variant has been observed in an individual with personal or family history of breast and/or ovarian cancer (PMID: 31159747). This variant has not been identified in the general population by the Genome Aggregation Database (gnomAD). The available evidence is insufficient to determine the role of this variant in disease conclusively. Therefore, this variant is classified as a Variant of Uncertain Significance.

This study involves interpretation of variants in research participants for the purpose of population health screening. Participant phenotype was not available at the time of variant classification. Additional details can be found in publication PMID: 35346344, PMCID: PMC8962531

GeneDx
Classification: Uncertain significance. Last evaluated: 2022-12-08. Review status: criteria provided, single submitter. Criteria: GeneDx Variant Classification Process June 2021. Collection method: clinical testing. Allele origin: germline. Affected: yes.
Comment: Not observed in large population cohorts (gnomAD); In silico analysis supports that this missense variant does not alter protein structure/function; Observed in an individual with a personal or family history of breast and/or ovarian cancer (Tsaousis et al., 2019); This variant is associated with the following publications: (PMID: 18199528, 31159747)

MGZ Medical Genetics Center
Classification: Uncertain significance for Gastric adenocarcinoma and proximal polyposis of the stomach. Last evaluated: 2022-08-24. Review status: criteria provided, single submitter. Criteria: ACMG Guidelines, 2015. Collection method: clinical testing. Allele origin: germline. Affected: yes. Observed: 1 variant allele.
Comment: ACMG criteria applied: PM2_SUP, BP4

Mendelics
Classification: Uncertain significance for Familial adenomatous polyposis 1. Last evaluated: 2019-05-28. Review status: criteria provided, single submitter. Criteria: Mendelics Assertion Criteria 2017. Collection method: clinical testing. Allele origin: unknown.

GeneKor MSA
Classification: Uncertain significance for Hereditary cancer-predisposing syndrome. Last evaluated: 2018-08-01. Review status: criteria provided, single submitter. Criteria: ACMG Guidelines, 2015. Collection method: clinical testing. Allele origin: germline. Affected: yes.

Quest Diagnostics Nichols Institute San Juan Capistrano
Classification: Uncertain significance. Last evaluated: 2017-03-01. Review status: criteria provided, single submitter. Criteria: Quest Diagnostics criteria. Collection method: clinical testing. Allele origin: germline.

Literature cited by the submitters: PubMed 31159747 (cited by 3 submitters).

NM_000038.6(APC):c.4813G>A (p.Val1605Met)

Gene: APC (APC regulator of Wnt signaling pathway; plus strand). Cytogenetic location: 5q22.2.
Variant type: single nucleotide variant.
Coding change: c.4813G>A on transcript NM_000038.6 (MANE Select); coding-DNA position 4813, G replaced by A.
Protein change: p.Val1605Met; replaces valine 1605 with methionine.
Molecular consequence: missense variant.
Genome position (GRCh38, 1-based): chr5:112,840,407, G>A. VCF-style: chr5-112840407-G-A. GRCh37 (hg19) VCF-style: chr5-112176104-G-A.
Other names: c.4813G>A, p.Val1605Met (NM_001127510.3, NM_001354895.2); c.4759G>A, p.Val1587Met (NM_001127511.3); c.4867G>A, p.Val1623Met (NM_001354896.2); c.4843G>A, p.Val1615Met (NM_001354897.2); c.4738G>A, p.Val1580Met (NM_001354898.2); c.4729G>A, p.Val1577Met (NM_001354899.2); c.4690G>A, p.Val1564Met (NM_001354900.2); c.4636G>A, p.Val1546Met (NM_001354901.2); and 5 more; short protein forms V1587M, V1605M, V1445M, V1504M, V1546M, V1564M, V1322M, V1514M.
Identifiers: ClinVar variation 438880 (VCV000438880.34), dbSNP rs1554086219, ClinGen allele CA16031876.